The following is an entry in ClinVar:

ClinVar aggregate classification (germline): Conflicting classifications of pathogenicity. Review status: criteria provided, conflicting classifications (1 of 4 stars). 7 submissions from 7 submitters: Uncertain significance (3); Benign (1); Likely benign (1). 2 of the submissions do not count toward it. Last evaluated 2026-01-12.

Conditions:
Cardiovascular phenotype. Identifiers: MedGen CN230736.
Dilated cardiomyopathy 1DD (CMD1DD). Identifiers: Orphanet 154, MedGen C2750995, MONDO:0013168, OMIM 613172.

Allele frequency attached by ClinVar (database versions not stated): gnomAD exomes 0.00005 and 0.00006; TOPMed 0.00006; ExAC 0.00005; gnomAD 0.00005.
gnomAD v4.1: 93 of 1,551,546 alleles (0.006%); highest among the groups gnomAD compares: Non-Finnish European, 0.0069%; no homozygotes.

Submissions (7):

Labcorp Genetics (formerly Invitae), Labcorp
Classification: Likely benign for Dilated cardiomyopathy 1DD. Last evaluated: 2026-01-12. Review status: criteria provided, single submitter. Criteria: Invitae Variant Classification Sherloc (09022015). Collection method: clinical testing. Allele origin: germline.

Laboratory of Genetics, Children's Clinical University Hospital Latvia
Classification: Benign. Last evaluated: 2025-02-16. Review status: criteria provided, single submitter. Criteria: ACMG Guidelines, 2015. Collection method: clinical testing. Allele origin: germline. Affected: yes.

Ambry Genetics
Classification: Uncertain significance for Cardiovascular phenotype. Last evaluated: 2022-04-01. Review status: criteria provided, single submitter. Criteria: Ambry Variant Classification Scheme 2023. Collection method: clinical testing. Allele origin: germline.

GeneDx
Classification: Uncertain significance. Last evaluated: 2016-09-09. Review status: criteria provided, single submitter. Criteria: GeneDx Variant Classification (06012015). Collection method: clinical testing. Allele origin: germline. Affected: yes.
Comment: The R673W variant in the RBM20 gene was reported in an individual referred for DCM genetic testing with a family history of sudden death; however, this individual also harbored a second variant of unknown significance in the RBM20 gene (R1008W) as well as a TTN intronic variant (Pugh et. al., 2014). The study did not provide other clinical or family history information. Additionally, The R673W variant was not observed in approximately 2,200 individuals of European and African American ancestry in the NHLBI Exome Sequencing Project, indicating it is not a common benign variant in these populations. The R673W variant is a non-conservative amino acid substitution, which is likely to impact secondary protein structure as these residues differ in polarity, charge, size and/or other properties. This substitution occurs at a position that is conserved across species. In silico analysis predicts this variant is probably damaging to the protein structure/function. However, missense mutations in nearby residues have not been reported, indicating this region of the protein my tolerate change. Therefore, based on the currently available information, it is unclear whether this variant is a pathogenic mutation or a rare benign variant.

Laboratory for Molecular Medicine, Mass General Brigham Personalized Medicine
Classification: Uncertain significance. Last evaluated: 2014-07-11. Review status: criteria provided, single submitter. Criteria: LMM Criteria. Collection method: clinical testing. Allele origin: germline. Observed: 2 variant alleles.
Comment: Variant classified as Uncertain Significance - Favor Pathogenic. Dat a from large population studies is insufficient to assess the frequency of this variant. Computational prediction tools and conservation analysis suggest that t his variant may impact the protein, though this information is not predictive en ough to determine pathogenicity. Pathogenic RBM20 variants frequently occur in e xon 9 of RBM20 (Brauch 2009, Li 2010), where this variant is located, though it is unclear why certain variants in this exon have a strong association with dise ase. In summary, while there is some suspicion for a pathogenic role, the clinic al significance of the Arg673Trp variant is uncertain.

Clinical Genetics DNA and cytogenetics Diagnostics Lab, Erasmus MC, Erasmus Medical Center
Classification: Uncertain significance. Review status: no assertion criteria provided. Collection method: clinical testing. Allele origin: germline. Affected: yes. Study: VKGL Data-share Consensus. Not counted in ClinVar's aggregate classification.

Genome Diagnostics Laboratory, University Medical Center Utrecht
Classification: Uncertain significance. Review status: no assertion criteria provided. Collection method: clinical testing. Allele origin: germline. Affected: yes. Study: VKGL Data-share Consensus. Not counted in ClinVar's aggregate classification.

Literature cited by the submitters: PubMed 20590677 (cited by Laboratory for Molecular Medicine, Mass General Brigham Personalized Medicine); PubMed 19712804 (cited by Laboratory for Molecular Medicine, Mass General Brigham Personalized Medicine).

NM_001134363.3(RBM20):c.2017C>T (p.Arg673Trp)

Gene: RBM20 (RNA binding motif protein 20; plus strand). Cytogenetic location: 10q25.2.
Variant type: single nucleotide variant.
Coding change: c.2017C>T on transcript NM_001134363.3 (MANE Select); coding-DNA position 2017, C replaced by T.
Protein change: p.Arg673Trp; replaces arginine 673 with tryptophan.
Molecular consequence: missense variant.
Genome position (GRCh38, 1-based): chr10:110,812,414, C>T. VCF-style: chr10-110812414-C-T. GRCh37 (hg19) VCF-style: chr10-112572172-C-T.
Other names: p.R673W:CGG>TGG; short protein forms R673W.
Identifiers: ClinVar variation 43984 (VCV000043984.18), dbSNP rs397516599, ClinGen allele CA133298.
Genomic context (GRCh38, chr10:110,812,414, plus strand): 5'-ACCTCCTGCAGCTCTTCCCACAGCCCTCCGGGCCCCTCCCGGGCTGACTGGGGCAATGGC[C>T]GGGACTCCTGGGAGCACTCTCCCTATGCCAGGAGGGAGGAAGAGCGAGACCCGGCTCCCT-3'
Protein context (NP_001127835.2, residues 663-683): GPSRADWGNG[Arg673Trp]DSWEHSPYAR